The following is an entry in ClinVar:

ClinVar aggregate classification (germline): Conflicting classifications of pathogenicity. Review status: criteria provided, conflicting classifications (1 of 4 stars). 8 submissions from 7 submitters: Uncertain significance (7); Likely benign (1). Last evaluated 2025-03-18.

Conditions:
Autosomal recessive ataxia, Beauce type. Also called: SYNE1 Deficiency; ATAXIA, RECESSIVE, OF BEAUCE; SYNE1-Related Autosomal Recessive Cerebellar Ataxia; Spinocerebellar ataxia, autosomal recessive 8. Identifiers: Orphanet 88644, MedGen C1853116, MONDO:0012549, OMIM 610743.
Emery-Dreifuss muscular dystrophy 4, autosomal dominant (EDMD4). Also called: EMERY-DREIFUSS MUSCULAR DYSTROPHY 4 WITH VARIABLE FEATURES. Identifiers: Orphanet 261, MedGen C2751807, MONDO:0013071, OMIM 612998.

Allele frequency attached by ClinVar (database versions not stated): gnomAD 0.00013 and 0.00015; gnomAD exomes 0.00013 and 0.00016; TOPMed 0.00014; 1000 Genomes Project 30x 0.00016; ExAC 0.00019; 1000 Genomes Project 0.00020.
gnomAD v4.1: 210 of 1,613,772 alleles (0.013%); highest among the groups gnomAD compares: East Asian, 0.069%; 1 homozygote.

Submissions (8):

Mayo Clinic Laboratories, Mayo Clinic
Classification: Uncertain significance. Last evaluated: 2025-03-18. Review status: criteria provided, single submitter. Criteria: ACMG Guidelines, 2015. Collection method: clinical testing. Allele origin: germline. Observed: 2 variant alleles.
Comment: BP4

Revvity Omics, Revvity
Classification: Uncertain significance. Last evaluated: 2025-02-06. Review status: criteria provided, single submitter. Criteria: ACMG Guidelines, 2015. Collection method: clinical testing. Allele origin: germline.

Athena Diagnostics
Classification: Uncertain significance. Last evaluated: 2023-05-10. Review status: criteria provided, single submitter. Criteria: Athena Diagnostics Criteria. Collection method: clinical testing. Allele origin: unknown.
Comment: Available data are insufficient to determine the clinical significance of the variant at this time. The frequency of this variant in the general population is higher than would generally be expected for pathogenic variants in this gene. Computational tools predict that this variant is not damaging.

Labcorp Genetics (formerly Invitae), Labcorp
Classification: Uncertain significance for Emery-Dreifuss muscular dystrophy 4, autosomal dominant; Autosomal recessive ataxia, Beauce type. Last evaluated: 2022-10-18. Review status: criteria provided, single submitter. Criteria: Invitae Variant Classification Sherloc (09022015). Collection method: clinical testing. Allele origin: germline.
Comment: This sequence change replaces valine, which is neutral and non-polar, with isoleucine, which is neutral and non-polar, at codon 1467 of the SYNE1 protein (p.Val1467Ile). This variant is present in population databases (rs376463379, gnomAD 0.03%). This variant has not been reported in the literature in individuals affected with SYNE1-related conditions. ClinVar contains an entry for this variant (Variation ID: 355924). Algorithms developed to predict the effect of missense changes on protein structure and function output the following: SIFT: "Tolerated"; PolyPhen-2: "Benign"; Align-GVGD: "Class C0". The isoleucine amino acid residue is found in multiple mammalian species, which suggests that this missense change does not adversely affect protein function. In summary, the available evidence is currently insufficient to determine the role of this variant in disease. Therefore, it has been classified as a Variant of Uncertain Significance.

GeneDx
Classification: Uncertain significance. Last evaluated: 2019-08-13. Review status: criteria provided, single submitter. Criteria: GeneDx Variant Classification Process June 2021. Collection method: clinical testing. Allele origin: germline. Affected: yes.
Comment: In silico analysis, which includes protein predictors and evolutionary conservation, supports that this variant does not alter protein structure/function; Has not been previously published as pathogenic or benign to our knowledge

Illumina Laboratory Services, Illumina
Classification: Uncertain significance for Autosomal recessive ataxia, Beauce type. Last evaluated: 2018-01-13. Review status: criteria provided, single submitter. Criteria: ICSL Variant Classification Criteria 13 December 2019. Collection method: clinical testing. Allele origin: germline.

Illumina Laboratory Services, Illumina
Classification: Likely benign for Emery-Dreifuss muscular dystrophy 4, autosomal dominant. Last evaluated: 2018-01-13. Review status: criteria provided, single submitter. Criteria: ICSL Variant Classification Criteria 13 December 2019. Collection method: clinical testing. Allele origin: germline.
Comment: This variant was observed in the ICSL laboratory as part of a predisposition screen in an ostensibly healthy population. It had not been previously curated by ICSL or reported in the Human Gene Mutation Database (HGMD: prior to June 1st, 2018), and was therefore a candidate for classification through an automated scoring system. Utilizing variant allele frequency, disease prevalence and penetrance estimates, and inheritance mode, an automated score was calculated to assess if this variant is too frequent to cause the disease. Based on the score and internal cut-off values, a variant classified as likely benign is not then subjected to further curation. The score for this variant resulted in a classification of likely benign for this disease.

CeGaT Center for Human Genetics Tuebingen
Classification: Uncertain significance. Last evaluated: 2017-03-01. Review status: criteria provided, single submitter. Criteria: CeGaT Center For Human Genetics Tuebingen Variant Classification Criteria Version 2. Collection method: clinical testing. Allele origin: germline. Affected: yes. Observed: 1 variant allele.

NM_182961.4(SYNE1):c.4378G>A (p.Val1460Ile)

Gene: SYNE1 (spectrin repeat containing nuclear envelope protein 1; minus strand). Cytogenetic location: 6q25.2.
Variant type: single nucleotide variant.
Coding change: c.4378G>A on transcript NM_182961.4 (MANE Select); coding-DNA position 4378, G replaced by A.
Protein change: p.Val1460Ile; replaces valine 1460 with isoleucine.
Molecular consequence: missense variant.
Genome position (GRCh38, 1-based): chr6:152,433,878, C>T on the plus strand (G>A on the coding strand, the complement: SYNE1 is on the minus strand). VCF-style: chr6-152433878-C-T. GRCh37 (hg19) VCF-style: chr6-152755013-C-T.
Other names: p.Val1467Ile; c.4399G>A, p.Val1467Ile (NM_033071.5); c.4378G>A (NM_182961.2); short protein forms V1467I, V1460I.
Identifiers: ClinVar variation 355924 (VCV000355924.58), dbSNP rs376463379, ClinGen allele CA4058577.